The following is an entry in ClinVar:

NM_003072.5(SMARCA4):c.940G>C (p.Ala314Pro)

Gene: SMARCA4 (SWI/SNF related BAF chromatin remodeling complex subunit ATPase 4; plus strand). Cytogenetic location: 19p13.2.
Variant type: single nucleotide variant.
Coding change: c.940G>C on transcript NM_003072.5 (MANE Select); coding-DNA position 940, G replaced by C.
Protein change: p.Ala314Pro; replaces alanine 314 with proline.
Molecular consequence: missense variant. On other transcripts: non-coding transcript variant (1).
Genome position (GRCh38, 1-based): chr19:10,987,746, G>C. VCF-style: chr19-10987746-G-C. GRCh37 (hg19) VCF-style: chr19-11098422-G-C.
Other names: c.940G>C (NM_001128849.1); c.940G>C, p.Ala314Pro (NM_001128844.3, NM_001128845.2, NM_001128846.2 and 6 more transcripts); short protein forms A314P.
Identifiers: ClinVar variation 2042993 (VCV002042993.5), dbSNP rs764188556, ClinGen allele CA404058494.
Genomic context (GRCh38, chr19:10,987,746, plus strand): 5'-GCCCCCACGAGCACCCCTCAGAAGCTGATTCCCCCGCAGCCAACGGGCCGCCCTTCCCCC[G>C]CGCCCCCTGCCGTCCCACCCGCCGCCTCGCCCGTGATGCCACCGCAGACCCAGTCCCCCG-3'
Protein context (NP_003063.2, residues 304-324): PPQPTGRPSP[Ala314Pro]PPAVPPAASP

ClinVar aggregate classification (germline): Uncertain significance. Review status: criteria provided, multiple submitters, no conflicts (2 of 4 stars). 2 submissions from 2 submitters: Uncertain significance (2). Last evaluated 2023-10-25.

Conditions:
Hereditary cancer-predisposing syndrome. Also called: Neoplastic Syndromes, Hereditary; Hereditary Cancer Syndrome; Hereditary neoplastic syndrome; Tumor predisposition. Identifiers: Orphanet 140162, MedGen C0027672, MeSH D009386, MONDO:0015356.
Rhabdoid tumor predisposition syndrome 2 (RTPS2). Identifiers: Orphanet 231108, Orphanet 69077, MedGen C2750074, MONDO:0013224, OMIM 613325.

Allele frequency attached by ClinVar (database versions not stated): TOPMed below 0.00001.

Submissions (2):

Ambry Genetics
Classification: Uncertain significance for Hereditary cancer-predisposing syndrome. Last evaluated: 2023-10-25. Review status: criteria provided, single submitter. Criteria: Ambry Variant Classification Scheme 2023. Collection method: clinical testing. Allele origin: germline.
Comment: The p.A314P variant (also known as c.940G>C), located in coding exon 5 of the SMARCA4 gene, results from a G to C substitution at nucleotide position 940. The alanine at codon 314 is replaced by proline, an amino acid with highly similar properties. This amino acid position is highly conserved in available vertebrate species. In addition, the in silico prediction for this alteration is inconclusive. Missense and in-frame variants in SMARCA4 are known to cause neurodevelopmental disorders; however, such associations with rhabdoid tumor predisposition syndrome including small cell carcinoma of the ovary-hypercalcemic type (SCCOHT) are exceedingly rare (Kosho T et al. Am J Med Genet C Semin Med Genet. 2014 Sep;166C(3):262-75; Jelinic P et al. Nat Genet. 2014 May;46(5):424-6). Since supporting evidence is limited at this time, the clinical significance of this alteration remains unclear.

Labcorp Genetics (formerly Invitae), Labcorp
Classification: Uncertain significance for Rhabdoid tumor predisposition syndrome 2. Last evaluated: 2023-04-26. Review status: criteria provided, single submitter. Criteria: Invitae Variant Classification Sherloc (09022015). Collection method: clinical testing. Allele origin: germline.
Comment: In summary, the available evidence is currently insufficient to determine the role of this variant in disease. Therefore, it has been classified as a Variant of Uncertain Significance. Advanced modeling of protein sequence and biophysical properties (such as structural, functional, and spatial information, amino acid conservation, physicochemical variation, residue mobility, and thermodynamic stability) has been performed at Invitae for this missense variant, however the output from this modeling did not meet the statistical confidence thresholds required to predict the impact of this variant on SMARCA4 protein function. ClinVar contains an entry for this variant (Variation ID: 2042993). This variant has not been reported in the literature in individuals affected with SMARCA4-related conditions. This variant is not present in population databases (gnomAD no frequency). This sequence change replaces alanine, which is neutral and non-polar, with proline, which is neutral and non-polar, at codon 314 of the SMARCA4 protein (p.Ala314Pro).